The following is an entry in ClinVar:

ClinVar aggregate classification (germline): Uncertain significance (1 of 4 stars; one submission).

Conditions:
Autoimmune lymphoproliferative syndrome, type III caused by mutation in PRKCD. Identifiers: Orphanet 3261, Orphanet 664711, MedGen C3809928, MONDO:8000024, OMIM 615559.

Allele frequency attached by ClinVar (database versions not stated): ExAC 0.00001; gnomAD 0.00001; TOPMed 0.00001.
gnomAD v4.1: 5 of 1,613,798 alleles (0.00031%); highest among the groups gnomAD compares: South Asian, 0.0011%; no homozygotes.

Submission:

Labcorp Genetics (formerly Invitae), Labcorp
Classification: Uncertain significance for Autoimmune lymphoproliferative syndrome, type III caused by mutation in PRKCD. Last evaluated: 2023-08-29. Review status: criteria provided, single submitter. Criteria: Invitae Variant Classification Sherloc (09022015). Collection method: clinical testing. Allele origin: germline.
Comment: An algorithm developed to predict the effect of missense changes on protein structure and function (PolyPhen-2) suggests that this variant is likely to be disruptive. This variant has not been reported in the literature in individuals affected with PRKCD-related conditions. This variant is present in population databases (rs782504487, gnomAD 0.0009%). This sequence change replaces arginine, which is basic and polar, with histidine, which is basic and polar, at codon 444 of the PRKCD protein (p.Arg444His). In summary, the available evidence is currently insufficient to determine the role of this variant in disease. Therefore, it has been classified as a Variant of Uncertain Significance.

NM_006254.4(PRKCD):c.1331G>A (p.Arg444His)

Gene: PRKCD (protein kinase C delta; plus strand). Cytogenetic location: 3p21.1.
Variant type: single nucleotide variant.
Coding change: c.1331G>A on transcript NM_006254.4 (MANE Select); coding-DNA position 1331, G replaced by A.
Protein change: p.Arg444His; replaces arginine 444 with histidine.
Molecular consequence: missense variant.
Genome position (GRCh38, 1-based): chr3:53,186,674, G>A. VCF-style: chr3-53186674-G-A. GRCh37 (hg19) VCF-style: chr3-53220690-G-A.
Other names: c.1331G>A, p.Arg444His (NM_001316327.2, NM_001354679.2, NM_001354680.2 and 1 more transcripts); c.1388G>A, p.Arg463His (NM_001354676.2); c.1379G>A, p.Arg460His (NM_001354678.2); short protein forms R444H, R463H, R460H.
Identifiers: ClinVar variation 2962945 (VCV002962945.3), dbSNP rs782504487, ClinGen allele CA2452142.